The following is an entry in ClinVar:

NM_000080.4(CHRNE):c.852C>T (p.Thr284=)

Genes: CHRNE (cholinergic receptor nicotinic epsilon subunit; minus strand), C17orf107 (chromosome 17 open reading frame 107; plus strand). Cytogenetic location: 17p13.2.
Variant type: single nucleotide variant.
Coding change: c.852C>T on transcript NM_000080.4 (MANE Select); coding-DNA position 852, C replaced by T.
Protein change: p.Thr284=; no amino-acid change (threonine 284 retained).
Molecular consequence: synonymous variant. On other transcripts: 3 prime UTR variant (1).
Genome position (GRCh38, 1-based): chr17:4,900,858, G>A on the plus strand (C>T on the coding strand, the complement: CHRNE is on the minus strand). VCF-style: chr17-4900858-G-A. GRCh37 (hg19) VCF-style: chr17-4804153-G-A.
Other names: c.*325G>A (NM_001145536.2).
Identifiers: ClinVar variation 715040 (VCV000715040.12), dbSNP rs770586668, ClinGen allele CA8314227.

ClinVar aggregate classification (germline): Likely benign. Review status: criteria provided, single submitter (1 of 4 stars). 2 submissions from 2 submitters: Likely benign (1). 1 of the submissions does not count toward it. Last evaluated 2025-08-27.

Conditions:
Congenital myasthenic syndrome 4A. Also called: CONGENITAL MYASTHENIC SYNDROME TYPE Ia1; Myasthenic syndrome, congenital, 4a, slow-channel; MYASTHENIC SYNDROME, CONGENITAL, 4A, SLOW-CHANNEL, AUTOSOMAL RECESSIVE. Identifiers: Orphanet 590, MedGen C4225413, MONDO:0011600, OMIM 605809.
CHRNE-related disorder. Also called: CHRNE-related condition.

Allele frequency attached by ClinVar (database versions not stated): ExAC 0.00001; gnomAD 0.00002; TOPMed 0.00002.
gnomAD v4.1: 30 of 1,614,074 alleles (0.0019%); highest among the groups gnomAD compares: Middle Eastern, 0.016%; no homozygotes.

Submissions (2):

Labcorp Genetics (formerly Invitae), Labcorp
Classification: Likely benign for Congenital myasthenic syndrome 4A. Last evaluated: 2025-08-27. Review status: criteria provided, single submitter. Criteria: Invitae Variant Classification Sherloc (09022015). Collection method: clinical testing. Allele origin: germline.

PreventionGenetics, part of Exact Sciences
Classification: Likely benign for CHRNE-related condition. Last evaluated: 2020-09-30. Review status: no assertion criteria provided. Collection method: clinical testing. Allele origin: germline. Not counted in ClinVar's aggregate classification.
Comment: This variant is classified as likely benign based on ACMG/AMP sequence variant interpretation guidelines (Richards et al. 2015 PMID: 25741868, with internal and published modifications).